The following is an entry in ClinVar:

ClinVar aggregate classification (germline): Pathogenic (1 of 4 stars; one submission).

Conditions:
Primary ciliary dyskinesia 3. Identifiers: Orphanet 244, MedGen C1837618, MONDO:0012085, OMIM 608644.

Submission:

Myriad Genetics, Inc.
Classification: Pathogenic for Primary ciliary dyskinesia 3. Last evaluated: 2024-05-14. Review status: criteria provided, single submitter. Criteria: Myriad Autosomal Dominant, Autosomal Recessive and X-Linked Classification Criteria (2023). Collection method: clinical testing. Allele origin: unknown.
Comment: NM_001369.2(DNAH5):c.6727_6732del6ins4(L2243Efs*68) is expected to be pathogenic in the context of primary ciliary dyskinesia, DNAH5-related. This variant is predicted to lead to an abnormal or absent protein product due to the creation of a premature termination codon in DNAH5, a gene where loss-of-function variants are known to be pathogenic. Please note: this variant was assessed in the context of healthy population screening.

NM_001369.3(DNAH5):c.6727_6732delinsGAGA (p.Leu2243fs)

Gene: DNAH5 (dynein axonemal heavy chain 5; minus strand). Cytogenetic location: 5p15.2.
Variant type: Indel.
Coding change: c.6727_6732delinsGAGA on transcript NM_001369.3 (MANE Select); coding-DNA positions 6727 to 6732, CTGAAG replaced by GAGA.
Protein change: p.Leu2243fs; shifts the reading frame from leucine 2243.
Molecular consequence: frameshift variant.
Genome position (GRCh38, 1-based): chr5:13,820,455-13,820,460, CTTCAG replaced by TCTC on the plus strand (CTGAAG replaced by GAGA on the coding strand, the reverse complement: DNAH5 is on the minus strand). VCF-style: chr5-13820455-CTTCAG-TCTC. GRCh37 (hg19) VCF-style: chr5-13820564-CTTCAG-TCTC.
Other names: short protein forms L2243fs.
Identifiers: ClinVar variation 5010596 (VCV005010596.1).